The following is an entry in ClinVar:

ClinVar aggregate classification (germline): Pathogenic/Likely pathogenic. Review status: criteria provided, multiple submitters, no conflicts (2 of 4 stars). 2 submissions from 2 submitters: Pathogenic (1); Likely pathogenic (1). Last evaluated 2025-10-30.

Conditions:
GLDN-related disorder. Also called: GLDN-related condition.

Submissions (2):

PreventionGenetics, part of Exact Sciences
Classification: Pathogenic for GLDN-related condition. Last evaluated: 2025-10-30. Review status: criteria provided, single submitter. Criteria: ACMG Guidelines, 2015. Collection method: clinical testing. Allele origin: germline.
Comment: The GLDN c.1436G>C variant is predicted to result in the amino acid substitution p.Arg479Pro. This variant has been reported in the compound heterozygous or homozygous state in multiple individuals with lethal arthrogryposis (Wambach et al. 2017. PubMed ID: 28726266; Potrony et al. 2022. PubMed ID: 35806855). This variant has not been reported in a large population database (gnomAD), indicating this variant is rare. This variant is interpreted as pathogenic.

GeneDx
Classification: Likely pathogenic. Last evaluated: 2017-09-18. Review status: criteria provided, single submitter. Criteria: GeneDx Variant Classification (06012015). Collection method: clinical testing. Allele origin: germline. Affected: yes.
Comment: The R479P variant in the GLDN gene has been reported in the compound heterozygous state, opposite of a GLDN frameshift variant, in three siblings with arthrogryposis multiplex congenita (Wambach et al., 2017). The R479P variant is not observed in large population cohorts (Lek et al., 2016; 1000 Genomes Consortium et al., 2015; Exome Variant Server). The R479P variant is a non-conservative amino acid substitution, which is likely to impact secondary protein structure as these residues differ in polarity, charge, size and/or other properties. This substitution occurs within the olfactomedin domain, at a position that is not conserved. In silico analysis is inconsistent in its predictions as to whether or not the variant is damaging to the protein structure/function. We interpret R479P as a likely pathogenic variant.

NM_181789.4(GLDN):c.1436G>C (p.Arg479Pro)

Gene: GLDN (gliomedin; plus strand). Cytogenetic location: 15q21.2.
Variant type: single nucleotide variant.
Coding change: c.1436G>C on transcript NM_181789.4 (MANE Select); coding-DNA position 1436, G replaced by C.
Protein change: p.Arg479Pro; replaces arginine 479 with proline.
Molecular consequence: missense variant.
Genome position (GRCh38, 1-based): chr15:51,404,534, G>C. VCF-style: chr15-51404534-G-C. GRCh37 (hg19) VCF-style: chr15-51696731-G-C.
Other names: c.1064G>C, p.Arg355Pro (NM_001330297.2); short protein forms R479P, R355P.
Identifiers: ClinVar variation 449987 (VCV000449987.3), dbSNP rs199538582, ClinGen allele CA392435314.